The following is an entry in ClinVar:

NM_182493.3(MYLK3):c.1669G>A (p.Val557Met)

Gene: MYLK3 (myosin light chain kinase 3; minus strand). Cytogenetic location: 16q11.2.
Variant type: single nucleotide variant.
Coding change: c.1669G>A on transcript NM_182493.3 (MANE Select); coding-DNA position 1669, G replaced by A.
Protein change: p.Val557Met; replaces valine 557 with methionine.
Molecular consequence: missense variant.
Genome position (GRCh38, 1-based): chr16:46,729,127, C>T on the plus strand (G>A on the coding strand, the complement: MYLK3 is on the minus strand). VCF-style: chr16-46729127-C-T. GRCh37 (hg19) VCF-style: chr16-46763039-C-T.
Other names: c.1669G>A (NM_182493.2); c.646G>A, p.Val216Met (NM_001308301.1); short protein forms V216M, V557M.
Identifiers: ClinVar variation 1427328 (VCV001427328.7), dbSNP rs369679573, ClinGen allele CA8037883.
Genomic context (GRCh38, chr16:46,729,127, plus strand): 5'-CATAGAGCTGGATCAGGTTCACGTGGCTGAGCTGGTTCATGATGTTGATCTCGTTCTTCA[C>T]GTCCTCCTTGGGGGAACCAGAGGACAGAAGGATTTCCAAGCGAATGAGTCAAGAAGAGGA-3'
Protein context (NP_872299.2, residues 547-567): KVKSAKDRED[Val557Met]KNEINIMNQL

ClinVar aggregate classification (germline): Uncertain significance (1 of 4 stars; one submission).

Conditions:
Primary dilated cardiomyopathy (DCM). Also called: Dilated Cardiomyopathy. Identifiers: Orphanet 217604, MedGen C0007193, MeSH D002311, MONDO:0005021, HP:0001644. Inheritance: Various modes of inheritance.

Allele frequency attached by ClinVar (database versions not stated): ExAC 0.00001; gnomAD exomes 0.00002; TOPMed 0.00002; gnomAD 0.00003; ESP Exome Variant Server 0.00008.
gnomAD v4.1: 19 of 1,613,728 alleles (0.0012%); highest among the groups gnomAD compares: Admixed American, 0.0033%; no homozygotes.

Submission:

Labcorp Genetics (formerly Invitae), Labcorp
Classification: Uncertain significance. Last evaluated: 2025-12-08. Review status: criteria provided, single submitter. Criteria: Invitae Variant Classification Sherloc (09022015). Collection method: clinical testing. Allele origin: germline.
Comment: This sequence change replaces valine, which is neutral and non-polar, with methionine, which is neutral and non-polar, at codon 557 of the MYLK3 protein (p.Val557Met). This variant is present in population databases (rs369679573, gnomAD 0.003%). This variant has not been reported in the literature in individuals affected with MYLK3-related conditions. ClinVar contains an entry for this variant (Variation ID: 1427328). An algorithm developed to predict the effect of missense changes on protein structure and function (PolyPhen-2) suggests that this variant is likely to be disruptive. In summary, the available evidence is currently insufficient to determine the role of this variant in disease. Therefore, it has been classified as a Variant of Uncertain Significance.